The following is an entry in ClinVar:

ClinVar aggregate classification (germline): Likely benign. Review status: criteria provided, multiple submitters, no conflicts (2 of 4 stars). 2 submissions from 2 submitters: Likely benign (2). Last evaluated 2025-01-06.

Conditions:
Lynch syndrome 5 (LYNCH5). Also called: Colorectal cancer, hereditary nonpolyposis, type 5; Hereditary non-polyposis colorectal cancer, type 5. Identifiers: Orphanet 144, MedGen C1833477, MONDO:0013710, OMIM 614350. Disease mechanism: loss of function.
Hereditary nonpolyposis colorectal neoplasms. Identifiers: MedGen C0009405, MeSH D003123.

Submissions (2):

Myriad Genetics, Inc.
Classification: Likely benign for Lynch syndrome 5. Last evaluated: 2025-01-06. Review status: criteria provided, single submitter. Criteria: Myriad Autosomal Dominant, Autosomal Recessive and X-Linked Classification Criteria (2023). Collection method: clinical testing. Allele origin: unknown.
Comment: This variant is considered likely benign. This variant is intronic and is not expected to impact mRNA splicing.

Labcorp Genetics (formerly Invitae), Labcorp
Classification: Likely benign for Hereditary nonpolyposis colorectal neoplasms. Last evaluated: 2021-03-10. Review status: criteria provided, single submitter. Criteria: Invitae Variant Classification Sherloc (09022015). Collection method: clinical testing. Allele origin: germline.

NM_000179.3(MSH6):c.3438+7G>C

Gene: MSH6 (mutS homolog 6; plus strand). Cytogenetic location: 2p16.3.
Variant type: single nucleotide variant.
Coding change: c.3438+7G>C on transcript NM_000179.3 (MANE Select); 7 bases into the intron after coding-DNA position 3438, G replaced by C.
Molecular consequence: intron variant.
Genome position (GRCh38, 1-based): chr2:47,803,692, G>C. VCF-style: chr2-47803692-G-C. GRCh37 (hg19) VCF-style: chr2-48030831-G-C.
Other names: c.2532+7G>C (NM_001281493.2, NM_001281494.2); c.3048+7G>C (NM_001281492.2).
Identifiers: ClinVar variation 1638640 (VCV001638640.9), dbSNP rs2104487213, ClinGen allele CA2573134731.
Genomic context (GRCh38, chr2:47,803,692, plus strand): 5'-TGTGTGCTTGTTACTGGACCAAATATGGGGGGCAAGTCTACGCTTATGAGACAGGTAACT[G>C]ATTCTTAAAGTTTTGTTATCAGAAAGTCATTTGTGACATTAGGAATAACATACTTAGGTG-3'